The following is an entry in ClinVar:

NM_005002.5(NDUFA9):c.1061G>A (p.Arg354Gln)

Gene: NDUFA9 (NADH:ubiquinone oxidoreductase subunit A9; plus strand). Cytogenetic location: 12p13.32.
Variant type: single nucleotide variant.
Coding change: c.1061G>A on transcript NM_005002.5 (MANE Select); coding-DNA position 1061, G replaced by A.
Protein change: p.Arg354Gln; replaces arginine 354 with glutamine.
Molecular consequence: missense variant.
Genome position (GRCh38, 1-based): chr12:4,687,035, G>A. VCF-style: chr12-4687035-G-A. GRCh37 (hg19) VCF-style: chr12-4796201-G-A.
Other names: short protein forms R354Q.
Identifiers: ClinVar variation 917538 (VCV000917538.4), dbSNP rs764064779, ClinGen allele CA6398369.
Genomic context (GRCh38, chr12:4,687,035, plus strand): 5'-GCTTAGAAGACCTTGGTATTCAGGCAACACCACTGGAACTCAAGGCCATTGAGGTGCTGC[G>A]GCGTCATCGCACTTACCGCTGGCTGTCTGCTGAAATTGAGGATGTGAAGCCGGCCAAGAC-3'
Protein context (NP_004993.1, residues 344-364): PLELKAIEVL[Arg354Gln]RHRTYRWLSA

ClinVar aggregate classification (germline): Likely pathogenic. Review status: criteria provided, single submitter (1 of 4 stars). 3 submissions from 3 submitters: Likely pathogenic (1). 2 of the submissions do not count toward it. Last evaluated 2025-12-28.

Conditions:
Mitochondrial complex I deficiency, nuclear type 26. Also called: Mitochondrial complex 1 deficiency, nuclear type 26. Identifiers: MedGen C4748809, MONDO:0032630, OMIM 618247.

Allele frequency attached by ClinVar (database versions not stated): gnomAD 0.00001; gnomAD exomes 0.00001 and below 0.00001; TOPMed 0.00001; ExAC 0.00001.
gnomAD v4.1: 6 of 1,614,028 alleles (0.00037%); highest among the groups gnomAD compares: East Asian, 0.0022%; no homozygotes.

Submissions (3):

First Genomix Gene Laboratory, Genetic Diagnostics Department
Classification: Likely pathogenic for Mitochondrial complex I deficiency, nuclear type 26. Last evaluated: 2025-12-28. Review status: criteria provided, single submitter. Criteria: ACMG Guidelines, 2015. Collection method: clinical testing. Allele origin: germline. Inheritance: Autosomal recessive inheritance. Affected: no. Observed: 1 variant allele.

OMIM
Classification: Pathogenic for MITOCHONDRIAL COMPLEX I DEFICIENCY, NUCLEAR TYPE 26. Last evaluated: 2026-02-04. Review status: no assertion criteria provided. Collection method: literature only. Allele origin: germline. Not counted in ClinVar's aggregate classification.

Myelin Disorders Clinic-Children's Medical Center/Medical Genetics Lab-Tarbiat Modares University, Children's Medical Center, Pediatrics Center of Excellence,
Classification: Uncertain significance for Mitochondrial complex I deficiency, nuclear type 26. Review status: no assertion criteria provided. Collection method: clinical testing. Allele origin: inherited. Inheritance: Autosomal recessive inheritance. Affected: yes. Not counted in ClinVar's aggregate classification.

Literature cited by the submitters: PubMed 41069424 (cited by OMIM).